The following is an entry in ClinVar:

NM_001243177.4(ALDOA):c.698A>T (p.Gln233Leu)

Genes: ALDOA (aldolase, fructose-bisphosphate A; plus strand), LOC112694756 (uncharaterized LOC112694756; plus strand). Cytogenetic location: 16p11.2.
Variant type: single nucleotide variant.
Coding change: c.698A>T on transcript NM_001243177.4 (MANE Select); coding-DNA position 698, A replaced by T.
Protein change: p.Gln233Leu; replaces glutamine 233 with leucine.
Molecular consequence: missense variant. On other transcripts: 3 prime UTR variant (3).
Genome position (GRCh38, 1-based): chr16:30,068,974, A>T. VCF-style: chr16-30068974-A-T. GRCh37 (hg19) VCF-style: chr16-30080295-A-T.
Other names: c.*1045A>T (NM_001365304.2, NM_001365305.2, NM_001365307.2); c.536A>T, p.Gln179Leu (NM_001127617.2, NM_184041.5, NM_184043.2); short protein forms Q179L, Q233L.
Identifiers: ClinVar variation 1428627 (VCV001428627.6), dbSNP rs2151018036, ClinGen allele CA395488603.

ClinVar aggregate classification (germline): Uncertain significance (1 of 4 stars; one submission).

Conditions:
HNSHA due to aldolase A deficiency (GSD12). Also called: Glycogen storage disease due to aldolase A deficiency; GLYCOGEN STORAGE DISEASE XII; GSD XII; RED CELL ALDOLASE DEFICIENCY. Identifiers: Orphanet 57, MedGen C0272066, MONDO:0012747, OMIM 611881.

Submission:

Labcorp Genetics (formerly Invitae), Labcorp
Classification: Uncertain significance for HNSHA due to aldolase A deficiency. Last evaluated: 2024-02-17. Review status: criteria provided, single submitter. Criteria: Invitae Variant Classification Sherloc (09022015). Collection method: clinical testing. Allele origin: germline.
Comment: This sequence change replaces glutamine, which is neutral and polar, with leucine, which is neutral and non-polar, at codon 179 of the ALDOA protein (p.Gln179Leu). This variant is not present in population databases (gnomAD no frequency). This variant has not been reported in the literature in individuals affected with ALDOA-related conditions. ClinVar contains an entry for this variant (Variation ID: 1428627). An algorithm developed to predict the effect of missense changes on protein structure and function (PolyPhen-2) suggests that this variant is likely to be disruptive. In summary, the available evidence is currently insufficient to determine the role of this variant in disease. Therefore, it has been classified as a Variant of Uncertain Significance.